The following is an entry in ClinVar:

NM_024027.5(COLEC11):c.637G>A (p.Ala213Thr)

Gene: COLEC11 (collectin subfamily member 11; plus strand). Cytogenetic location: 2p25.3.
Variant type: single nucleotide variant.
Coding change: c.637G>A on transcript NM_024027.5 (MANE Select); coding-DNA position 637, G replaced by A.
Protein change: p.Ala213Thr; replaces alanine 213 with threonine.
Molecular consequence: missense variant. On other transcripts: non-coding transcript variant (1).
Genome position (GRCh38, 1-based): chr2:3,643,939, G>A. VCF-style: chr2-3643939-G-A. GRCh37 (hg19) VCF-style: chr2-3691529-G-A.
Other names: c.565G>A, p.Ala189Thr (NM_001255982.2, NM_001255983.2); c.493G>A, p.Ala165Thr (NM_001255984.2); c.679G>A, p.Ala227Thr (NM_001255985.1); c.559G>A, p.Ala187Thr (NM_001255986.1); c.487G>A, p.Ala163Thr (NM_001255987.1, NM_001255988.1); c.415G>A, p.Ala139Thr (NM_001255989.1); c.628G>A, p.Ala210Thr (NM_199235.3); short protein forms A139T, A163T, A165T, A187T, A189T, A210T, A213T, A227T.
Identifiers: ClinVar variation 2417867 (VCV002417867.1), dbSNP rs749339651, ClinGen allele CA1517117.

ClinVar aggregate classification (germline): Uncertain significance (1 of 4 stars; one submission).

Allele frequency attached by ClinVar (database versions not stated): ExAC 0.00001; TOPMed 0.00002; gnomAD 0.00003.
gnomAD v4.1: 18 of 1,614,040 alleles (0.0011%); highest among the groups gnomAD compares: African/African-American, 0.0053%; no homozygotes.

Submission:

Labcorp Genetics (formerly Invitae), Labcorp
Classification: Uncertain significance. Last evaluated: 2022-01-10. Review status: criteria provided, single submitter. Criteria: Invitae Variant Classification Sherloc (09022015). Collection method: clinical testing. Allele origin: germline.
Comment: This sequence change replaces alanine, which is neutral and non-polar, with threonine, which is neutral and polar, at codon 213 of the COLEC11 protein (p.Ala213Thr). This variant is present in population databases (rs749339651, gnomAD 0.003%). This variant has not been reported in the literature in individuals affected with COLEC11-related conditions. Algorithms developed to predict the effect of missense changes on protein structure and function output the following: SIFT: "Tolerated"; PolyPhen-2: "Benign"; Align-GVGD: "Class C0". The threonine amino acid residue is found in multiple mammalian species, which suggests that this missense change does not adversely affect protein function. In summary, the available evidence is currently insufficient to determine the role of this variant in disease. Therefore, it has been classified as a Variant of Uncertain Significance.